The following is an entry in ClinVar:

NM_001256545.2(MEGF10):c.197G>T (p.Trp66Leu)

Gene: MEGF10 (multiple EGF like domains 10; plus strand). Cytogenetic location: 5q23.2.
Variant type: single nucleotide variant.
Coding change: c.197G>T on transcript NM_001256545.2 (MANE Select); coding-DNA position 197, G replaced by T.
Protein change: p.Trp66Leu; replaces tryptophan 66 with leucine.
Molecular consequence: missense variant.
Genome position (GRCh38, 1-based): chr5:127,339,200, G>T. VCF-style: chr5-127339200-G-T. GRCh37 (hg19) VCF-style: chr5-126674892-G-T.
Other names: c.197G>T, p.Trp66Leu (NM_001308119.2, NM_001308121.2, NM_032446.3); short protein forms W66L.
Identifiers: ClinVar variation 1979572 (VCV001979572.4), dbSNP rs1182966883, ClinGen allele CA360822409.
Genomic context (GRCh38, chr5:127,339,200, plus strand): 5'-AGTCATACCCACATCCCTTTGATCAAATTTACTACACGAGCTGCACTGACATTCTAAACT[G>T]GTTTAAATGCACGCGGCACAGGTAATAGAAGCTCAGGCATGTTTGTGAGTTTGGCTAACT-3'
Protein context (NP_001243474.1, residues 56-76): YYTSCTDILN[Trp66Leu]FKCTRHRVSY

ClinVar aggregate classification (germline): Uncertain significance (1 of 4 stars; one submission).

Conditions:
MEGF10-related myopathy (CMYO10A). Also called: Congenital myopathy 10A, severe variant. Identifiers: Orphanet 439212, MedGen C3280679, MONDO:0013731, OMIM 614399.

Allele frequency attached by ClinVar (database versions not stated): gnomAD exomes below 0.00001; TOPMed below 0.00001; gnomAD 0.00001.
gnomAD v4.1: 2 of 1,611,994 alleles (0.00012%); highest among the groups gnomAD compares: African/African-American, 0.0027%; no homozygotes.

Submission:

Labcorp Genetics (formerly Invitae), Labcorp
Classification: Uncertain significance for MEGF10-related myopathy. Last evaluated: 2021-12-19. Review status: criteria provided, single submitter. Criteria: Invitae Variant Classification Sherloc (09022015). Collection method: clinical testing. Allele origin: germline.
Comment: In summary, the available evidence is currently insufficient to determine the role of this variant in disease. Therefore, it has been classified as a Variant of Uncertain Significance. Algorithms developed to predict the effect of missense changes on protein structure and function are either unavailable or do not agree on the potential impact of this missense change (SIFT: "Deleterious"; PolyPhen-2: "Probably Damaging"; Align-GVGD: "Class C0"). This variant has not been reported in the literature in individuals affected with MEGF10-related conditions. This variant is present in population databases (no rsID available, gnomAD 0.01%). This sequence change replaces tryptophan, which is neutral and slightly polar, with leucine, which is neutral and non-polar, at codon 66 of the MEGF10 protein (p.Trp66Leu).